The following is an entry in ClinVar:

ClinVar aggregate classification (germline): Likely pathogenic (1 of 4 stars; one submission).

Conditions:
Dilated cardiomyopathy 1G (CMD1G). Identifiers: Orphanet 154, MedGen C1858763, MONDO:0011400, OMIM 604145.
Autosomal recessive limb-girdle muscular dystrophy type 2J (LGMDR10). Also called: Limb-girdle muscular dystrophy, type 2J; MUSCULAR DYSTROPHY, LIMB-GIRDLE, AUTOSOMAL RECESSIVE 10. Identifiers: Orphanet 140922, MedGen C1837342, MONDO:0012127, OMIM 608807.

Submission:

Labcorp Genetics (formerly Invitae), Labcorp
Classification: Likely pathogenic for Dilated cardiomyopathy 1G; Autosomal recessive limb-girdle muscular dystrophy type 2J. Last evaluated: 2024-09-03. Review status: criteria provided, single submitter. Criteria: Invitae Variant Classification Sherloc (09022015). Collection method: clinical testing. Allele origin: germline.
Comment: This sequence change creates a premature translational stop signal (p.Arg19627*) in the TTN gene. While this is not anticipated to result in nonsense mediated decay, it is expected to create a truncated TTN protein. This variant is not present in population databases (gnomAD no frequency). This variant has not been reported in the literature in individuals affected with TTN-related conditions. This variant is located in the A band of TTN (PMID: 25589632). Truncating variants in this region are significantly overrepresented in patients affected with dilated cardiomyopathy (PMID: 25589632). Truncating variants in this region have also been reported in individuals affected with autosomal recessive centronuclear myopathy (PMID: 23975875). In summary, the currently available evidence indicates that the variant is pathogenic, but additional data are needed to prove that conclusively. Therefore, this variant has been classified as Likely Pathogenic.

Literature cited by the submitters: PubMed 25589632; PubMed 23975875.

NM_001267550.2(TTN):c.58879A>T (p.Arg19627Ter)

Genes: TTN-AS1 (TTN antisense RNA 1; plus strand), TTN (titin; minus strand). Cytogenetic location: 2q31.2.
Variant type: single nucleotide variant.
Coding change: c.58879A>T on transcript NM_001267550.2 (MANE Select); coding-DNA position 58879, A replaced by T.
Protein change: p.Arg19627Ter; replaces arginine 19627 with a stop codon.
Molecular consequence: nonsense.
Genome position (GRCh38, 1-based): chr2:178,593,329, T>A on the plus strand (A>T on the coding strand, the complement: TTN is on the minus strand). VCF-style: chr2-178593329-T-A. GRCh37 (hg19) VCF-style: chr2-179458056-T-A.
Other names: c.53956A>T, p.Arg17986Ter (NM_001256850.1); c.31684A>T, p.Arg10562Ter (NM_003319.4); c.51175A>T, p.Arg17059Ter (NM_133378.4); c.32059A>T, p.Arg10687Ter (NM_133432.3); c.32260A>T, p.Arg10754Ter (NM_133437.4); short protein forms R10562*, R10687*, R10754*, R17059*, R17986*, R19627*.
Identifiers: ClinVar variation 3757031 (VCV003757031.2).